The following is an entry in ClinVar:

NM_001042492.3(NF1):c.2449A>C (p.Met817Leu)

Gene: NF1 (neurofibromin 1; plus strand). Cytogenetic location: 17q11.2.
Variant type: single nucleotide variant.
Coding change: c.2449A>C on transcript NM_001042492.3 (MANE Select); coding-DNA position 2449, A replaced by C.
Protein change: p.Met817Leu; replaces methionine 817 with leucine.
Molecular consequence: missense variant.
Genome position (GRCh38, 1-based): chr17:31,229,064, A>C. VCF-style: chr17-31229064-A-C. GRCh37 (hg19) VCF-style: chr17-29556082-A-C.
Other names: c.2449A>C, p.Met817Leu (NM_000267.4); short protein forms M817L.
Identifiers: ClinVar variation 3404796 (VCV003404796.1).

ClinVar aggregate classification (germline): Uncertain significance (1 of 4 stars; one submission).

Conditions:
Hereditary cancer-predisposing syndrome. Also called: Hereditary Cancer Syndrome; Tumor predisposition; Hereditary neoplastic syndrome; Neoplastic Syndromes, Hereditary. Identifiers: Orphanet 140162, MedGen C0027672, MeSH D009386, MONDO:0015356.
Cardiovascular phenotype. Identifiers: MedGen CN230736.

gnomAD v4.1: 7 of 1,611,684 alleles (0.00043%); highest among the groups gnomAD compares: Non-Finnish European, 0.00051%; no homozygotes.

Submission:

Ambry Genetics
Classification: Uncertain significance for Cardiovascular phenotype; Hereditary cancer-predisposing syndrome. Last evaluated: 2024-10-14. Review status: criteria provided, single submitter. Criteria: Ambry Variant Classification Scheme 2023. Collection method: clinical testing. Allele origin: germline.
Comment: The p.M817L variant (also known as c.2449A>C), located in coding exon 21 of the NF1 gene, results from an A to C substitution at nucleotide position 2449. The methionine at codon 817 is replaced by leucine, an amino acid with highly similar properties. This amino acid position is conserved. In addition, this alteration is predicted to be tolerated by in silico analysis. Based on the available evidence, the clinical significance of this variant remains unclear.